The following is an entry in ClinVar:

ClinVar aggregate classification (germline): Likely pathogenic (1 of 4 stars; one submission).

Conditions:
Familial cancer of breast. Also called: BREAST CANCER, FAMILIAL; Hereditary breast cancer; hereditary breast carcinoma. Identifiers: Orphanet 227535, MedGen C0346153, MONDO:0016419, OMIM 114480. Disease mechanism: loss of function.

Submission:

Myriad Genetics, Inc.
Classification: Likely pathogenic for Familial cancer of breast. Last evaluated: 2024-01-25. Review status: criteria provided, single submitter. Criteria: Myriad Autosomal Dominant, Autosomal Recessive and X-Linked Classification Criteria (2023). Collection method: clinical testing. Allele origin: unknown.
Comment: This variant is considered likely pathogenic. This variant occurs within a consensus splice junction and is predicted to result in abnormal mRNA splicing of either an out-of-frame exon or an in-frame exon necessary for protein stability and/or normal function.

NM_000051.4(ATM):c.5496+1G>C

Gene: ATM (ATM serine/threonine kinase; plus strand). Cytogenetic location: 11q22.3.
Variant type: single nucleotide variant.
Coding change: c.5496+1G>C on transcript NM_000051.4 (MANE Select); the canonical splice donor site of the intron after coding-DNA position 5496, G replaced by C.
Molecular consequence: splice donor variant.
Genome position (GRCh38, 1-based): chr11:108,303,030, G>C. VCF-style: chr11-108303030-G-C. GRCh37 (hg19) VCF-style: chr11-108173757-G-C.
Other names: c.5496+1G>C (NM_001351834.2).
Identifiers: ClinVar variation 3148524 (VCV003148524.1), dbSNP rs879254180, ClinGen allele CA382544531.